The following is an entry in ClinVar:

NM_001286611.2(REPS1):c.584C>T (p.Ala195Val)

Gene: REPS1 (RALBP1 associated Eps domain containing 1; minus strand). Cytogenetic location: 6q24.1.
Variant type: single nucleotide variant.
Coding change: c.584C>T on transcript NM_001286611.2 (MANE Select); coding-DNA position 584, C replaced by T.
Protein change: p.Ala195Val; replaces alanine 195 with valine.
Molecular consequence: missense variant.
Genome position (GRCh38, 1-based): chr6:138,945,263, G>A on the plus strand (C>T on the coding strand, the complement: REPS1 is on the minus strand). VCF-style: chr6-138945263-G-A. GRCh37 (hg19) VCF-style: chr6-139266400-G-A.
Other names: c.584C>T (NM_031922.3); c.584C>T, p.Ala195Val (NM_001128617.3, NM_001286612.2, NM_031922.5); short protein forms A195V.
Identifiers: ClinVar variation 1369844 (VCV001369844.8), dbSNP rs142283202, ClinGen allele CA4024420.
Genomic context (GRCh38, chr6:138,945,263, plus strand): 5'-ATCAATCTCTAAATACCTGATTGTGCTTCACCAAAGGGAGACCAAAATGGCCCAGGTCCC[G>A]CGAGAGGCCTCTCACTATTCCCACCGCTGGGATGACGGCTGTGCTTCCTCCATGTGTGTG-3'
Protein context (NP_001273540.1, residues 185-205): PSGGNSERPL[Ala195Val]GPGPFWSPFG

ClinVar aggregate classification (germline): Uncertain significance. Review status: criteria provided, multiple submitters, no conflicts (2 of 4 stars). 3 submissions from 3 submitters: Uncertain significance (3). Last evaluated 2026-01-30.

Allele frequency attached by ClinVar (database versions not stated): ExAC 0.00012; 1000 Genomes Project 30x 0.00016; TOPMed 0.00006; ESP Exome Variant Server 0.00008; gnomAD exomes 0.00008; gnomAD 0.00009.
gnomAD v4.1: 100 of 1,610,862 alleles (0.0062%); highest among the groups gnomAD compares: Non-Finnish European, 0.0075%; no homozygotes.

Submissions (3):

Women's Health and Genetics/Laboratory Corporation of America, LabCorp
Classification: Uncertain significance. Last evaluated: 2026-01-30. Review status: criteria provided, single submitter. Criteria: LabCorp Variant Classification Summary - May 2015. Collection method: clinical testing. Allele origin: germline.
Comment: Variant summary: REPS1 c.584C>T (p.Ala195Val) results in a non-conservative amino acid change in the encoded protein sequence. Algorithms developed to predict the effect of missense changes on protein structure and function are either unavailable or do not agree on the potential impact of this missense change. The variant allele was found at a frequency of 8.1e-05 in 247900 control chromosomes. This frequency is not significantly higher than estimated for disease-causing variants in REPS1, allowing no conclusion about variant significance. To our knowledge, no occurrence of c.584C>T in individuals affected with REPS1-related conditions and no experimental evidence demonstrating its impact on protein function have been reported. ClinVar contains an entry for this variant (Variation ID: 1369844). Based on the evidence outlined above, the variant was classified as uncertain significance.

Labcorp Genetics (formerly Invitae), Labcorp
Classification: Uncertain significance. Last evaluated: 2024-09-23. Review status: criteria provided, single submitter. Criteria: Invitae Variant Classification Sherloc (09022015). Collection method: clinical testing. Allele origin: germline.
Comment: This sequence change replaces alanine, which is neutral and non-polar, with valine, which is neutral and non-polar, at codon 195 of the REPS1 protein (p.Ala195Val). This variant is present in population databases (rs142283202, gnomAD 0.01%). This variant has not been reported in the literature in individuals affected with REPS1-related conditions. ClinVar contains an entry for this variant (Variation ID: 1369844). Invitae Evidence Modeling of protein sequence and biophysical properties (such as structural, functional, and spatial information, amino acid conservation, physicochemical variation, residue mobility, and thermodynamic stability) indicates that this missense variant is not expected to disrupt REPS1 protein function with a negative predictive value of 80%. In summary, the available evidence is currently insufficient to determine the role of this variant in disease. Therefore, it has been classified as a Variant of Uncertain Significance.

Ambry Genetics
Classification: Uncertain significance. Last evaluated: 2024-07-02. Review status: criteria provided, single submitter. Criteria: Ambry Variant Classification Scheme 2023. Collection method: clinical testing. Allele origin: germline.